The following is an entry in ClinVar:

ClinVar aggregate classification (germline): Uncertain significance (1 of 4 stars; one submission).

Submission:

GeneDx
Classification: Uncertain significance. Last evaluated: 2022-12-20. Review status: criteria provided, single submitter. Criteria: GeneDx Variant Classification Process June 2021. Collection method: clinical testing. Allele origin: germline. Affected: yes.
Comment: Not observed at significant frequency in large population cohorts (gnomAD); In silico analysis supports that this missense variant has a deleterious effect on protein structure/function; Has not been previously published as pathogenic or benign to our knowledge

NM_003995.4(NPR2):c.2366T>C (p.Phe789Ser)

Gene: NPR2 (natriuretic peptide receptor 2; plus strand). Cytogenetic location: 9p13.3.
Variant type: single nucleotide variant.
Coding change: c.2366T>C on transcript NM_003995.4 (MANE Select); coding-DNA position 2366, T replaced by C.
Protein change: p.Phe789Ser; replaces phenylalanine 789 with serine.
Molecular consequence: missense variant.
Genome position (GRCh38, 1-based): chr9:35,806,227, T>C. VCF-style: chr9-35806227-T-C. GRCh37 (hg19) VCF-style: chr9-35806224-T-C.
Other names: c.2375T>C, p.Phe792Ser (NM_001378923.1); short protein forms F789S, F792S.
Identifiers: ClinVar variation 2506595 (VCV002506595.1), dbSNP rs1828374989, ClinGen allele CA373379447.